The following is an entry in ClinVar:

ClinVar aggregate classification (germline): Likely pathogenic (1 of 4 stars; one submission).

Conditions:
Global developmental delay, absent or hypoplastic corpus callosum, and dysmorphic facies (GDACCF). Identifiers: MedGen C4310644, MONDO:0014994, OMIM 617260.

Submission:

Illumina Laboratory Services, Illumina
Classification: Likely pathogenic for Global developmental delay, absent or hypoplastic corpus callosum, and dysmorphic facies. Last evaluated: 2024-01-25. Review status: criteria provided, single submitter. Criteria: ICSLVariantClassificationCriteria RUGD 01 April 2020. Collection method: clinical testing. Allele origin: unknown.
Comment: The ZNF148 c.668-1G>A variant results in a substitution at the consensus splice acceptor site, which is predicted to result in splicing defects that may lead to a truncated protein or result in a transcript which may escape nonsense-mediated mRNA decay. This variant is not observed in version 2.1.1 or version 4.0.0 of the Genome Aggregation Database. Based on the available evidence, the c.668-1G>A variant is classified as likely pathogenic for ZNF148-related neurodevelopmental disorder.

NM_021964.3(ZNF148):c.668-1G>A

Gene: ZNF148 (zinc finger protein 148; minus strand). Cytogenetic location: 3q21.2.
Variant type: single nucleotide variant.
Coding change: c.668-1G>A on transcript NM_021964.3 (MANE Select); the canonical splice acceptor site of the intron before coding-DNA position 668, G replaced by A.
Molecular consequence: splice acceptor variant.
Genome position (GRCh38, 1-based): chr3:125,234,330, C>T on the plus strand (G>A on the coding strand, the complement: ZNF148 is on the minus strand). VCF-style: chr3-125234330-C-T. GRCh37 (hg19) VCF-style: chr3-124953174-C-T.
Other names: c.668-1G>A (NM_001348426.2, NM_001348431.2, NM_001348428.2 and 7 more transcripts); c.542-1G>A (NM_001348434.2).
Identifiers: ClinVar variation 3893248 (VCV003893248.1).
Genomic context (GRCh38, chr3:125,234,330, plus strand): 5'-CCATATGATATTTTTGTATGAATCTCATACCACATTCATCACAGCGAAATGGTTTTTCAC[C>T]TAGCACATAATATAGAAAGTTTAAAACAAAACAAATATTGTAAAATAATGAATTGCTTTG-3'